The following is an entry in ClinVar:

ClinVar aggregate classification (germline): Uncertain significance (1 of 4 stars; one submission).

Submission:

Quest Diagnostics Nichols Institute San Juan Capistrano
Classification: Uncertain significance. Last evaluated: 2025-02-21. Review status: criteria provided, single submitter. Criteria: ACMG/ClinGen CNV Guidelines, 2019. Collection method: clinical testing. Allele origin: unknown.
Comment: The 15q25.2q25.3 deletion involves at least eight protein-coding genes. This deletion involves the LCR C-D distal region (ISCA-37514) of the recurrent 15q25.2 (LCR A-D) deletion syndrome (OMIM 614294). Overlapping proximal and distal deletions of the 15q25.2 (LCR A-D) recurrent region have been reported in individuals with variable phenotypes; however, several of these reported deletions are either of unknown inheritance or were inherited from an unaffected parent (Burgess 2014, Christian 2008, Doelken 2013, Palumbo 2012, Wat 2010). Of note, relatively few cases of 15q25.2q25.3 deletions (LCR C-D, distal) have been reported (Doelken 2013, Grutters 2023, Tilemis 2023). Case-control studies have found varying degrees of enrichment that have only sometimes reached statistical significance (Coe 2014, Cooper 2011, Itsara 2009). While distal 15q25.2q25.3 deletions (LCR C-D) have been proposed as a susceptibility locus for neurodevelopmental and neuropsychiatric disorders, proximal 15q25.2 deletions (LCR B-C, which falls outside of this loss interval) are typically associated with a more severe phenotype (Burgess 2014, Doelken 2013, Palumbo 2012). Therefore, this copy number variant (CNV) is classified as a variant of uncertain significance.

Literature cited by the submitters: PubMed 24352913; PubMed 18374305; PubMed 25217958; PubMed 21841781; PubMed 23239641; PubMed 37671554; PubMed 19166990; PubMed 23166063; PubMed 37510394; PubMed 20921022.

GRCh37/hg19 15q25.2-25.3(chr15:84928663-85786847)x1

Genes: SLC28A1 (solute carrier family 28 member 1; plus strand), WDR73 (WD repeat domain 73; minus strand), ALPK3 (alpha kinase 3; plus strand), NMB (neuromedin B; minus strand), PDE8A (phosphodiesterase 8A; plus strand) and 3 more. Cytogenetic location: 15q25.2-25.3.
Variant type: copy number loss.
Change: copy number 1 (one copy instead of two) of chr15:84,928,663-85,786,847 (858.2 kb, GRCh37 coordinates, 1-based), cytogenetic band 15q25.2-25.3.
Identifiers: ClinVar variation 815740 (VCV000815740.5).